The following is an entry in ClinVar:

ClinVar aggregate classification (germline): Uncertain significance (1 of 4 stars; one submission).

Conditions:
Inborn genetic diseases. Identifiers: MedGen C0950123, MeSH D030342.

Submission:

Ambry Genetics
Classification: Uncertain significance for Inborn genetic diseases. Last evaluated: 2025-07-28. Review status: criteria provided, single submitter. Criteria: Ambry Variant Classification Scheme 2023. Collection method: clinical testing. Allele origin: germline.
Comment: The c.533C>T (p.T178M) alteration is located in exon 2 (coding exon 2) of the KCNN2 gene. This alteration results from a C to T substitution at nucleotide position 533, causing the threonine (T) at amino acid position 178 to be replaced by a methionine (M). This variant was not reported in population-based cohorts in the Genome Aggregation Database (gnomAD). This amino acid position is highly conserved in available vertebrate species. This missense alteration is located in a region that has a low rate of benign missense variation (Lek, 2016; Firth, 2009). This alteration is predicted to be deleterious by in silico analysis. Based on insufficient or conflicting evidence, the clinical significance of this alteration remains unclear.

NM_021614.4(KCNN2):c.1169C>T (p.Thr390Met)

Gene: KCNN2 (potassium calcium-activated channel subfamily N member 2; plus strand). Cytogenetic location: 5q22.3.
Variant type: single nucleotide variant.
Coding change: c.1169C>T on transcript NM_021614.4 (MANE Select); coding-DNA position 1169, C replaced by T.
Protein change: p.Thr390Met; replaces threonine 390 with methionine.
Molecular consequence: missense variant. On other transcripts: non-coding transcript variant (1).
Genome position (GRCh38, 1-based): chr5:114,363,952, C>T. VCF-style: chr5-114363952-C-T. GRCh37 (hg19) VCF-style: chr5-113699649-C-T.
Other names: c.1367C>T, p.Thr456Met (NM_001372233.1); short protein forms T390M, T456M.
Identifiers: ClinVar variation 4090662 (VCV004090662.1).